The following is an entry in ClinVar:

NM_005732.4(RAD50):c.1372A>G (p.Lys458Glu)

Gene: RAD50 (RAD50 double strand break repair protein; plus strand). Cytogenetic location: 5q31.1.
Variant type: single nucleotide variant.
Coding change: c.1372A>G on transcript NM_005732.4 (MANE Select); coding-DNA position 1372, A replaced by G.
Protein change: p.Lys458Glu; replaces lysine 458 with glutamic acid.
Molecular consequence: missense variant.
Genome position (GRCh38, 1-based): chr5:132,589,757, A>G. VCF-style: chr5-132589757-A-G. GRCh37 (hg19) VCF-style: chr5-131925449-A-G.
Other names: short protein forms K458E.
Identifiers: ClinVar variation 4677843 (VCV004677843.1).

ClinVar aggregate classification (germline): Uncertain significance (1 of 4 stars; one submission).

Conditions:
Hereditary cancer-predisposing syndrome. Also called: Neoplastic Syndromes, Hereditary; Tumor predisposition; Hereditary Cancer Syndrome; Hereditary neoplastic syndrome. Identifiers: Orphanet 140162, MedGen C0027672, MeSH D009386, MONDO:0015356.

Submission:

Ambry Genetics
Classification: Uncertain significance for Hereditary cancer-predisposing syndrome. Last evaluated: 2025-09-28. Review status: criteria provided, single submitter. Criteria: Ambry Variant Classification Scheme 2023. Collection method: clinical testing. Allele origin: germline.
Comment: The p.K458E variant (also known as c.1372A>G), located in coding exon 9 of the RAD50 gene, results from an A to G substitution at nucleotide position 1372. The lysine at codon 458 is replaced by glutamic acid, an amino acid with similar properties. This amino acid position is conserved. In addition, this alteration is predicted to be tolerated by in silico analysis. Based on the available evidence, the clinical significance of this variant remains unclear.